The following is an entry in ClinVar:

NM_000350.3(ABCA4):c.5169del (p.Trp1724fs)

Gene: ABCA4 (ATP binding cassette subfamily A member 4; minus strand). Cytogenetic location: 1p22.1.
Variant type: Deletion.
Coding change: c.5169del on transcript NM_000350.3 (MANE Select); coding-DNA position 5169, one base deleted (C; older notation c.5169delC).
Protein change: p.Trp1724fs; shifts the reading frame from tryptophan 1724.
Molecular consequence: frameshift variant.
Genome position (GRCh38, 1-based): chr1:94,019,609, G deleted on the plus strand (C on the coding strand, the reverse complement: ABCA4 is on the minus strand). VCF-style (leftmost placement, unchanged base first): chr1-94019608-AG-A. GRCh37 (hg19) VCF-style: chr1-94485164-AG-A.
Other names: c.4947delC, p.Trp1650Glyfs (NM_001425324.1); short protein forms W1724fs.
Identifiers: ClinVar variation 2032431 (VCV002032431.4), dbSNP rs867654589, ClinGen allele CA26843969.

ClinVar aggregate classification (germline): Pathogenic (1 of 4 stars; one submission).

Allele frequency attached by ClinVar (database versions not stated): ESP Exome Variant Server 0.00008.

Submission:

Labcorp Genetics (formerly Invitae), Labcorp
Classification: Pathogenic. Last evaluated: 2022-09-24. Review status: criteria provided, single submitter. Criteria: Invitae Variant Classification Sherloc (09022015). Collection method: clinical testing. Allele origin: germline.
Comment: This sequence change creates a premature translational stop signal (p.Trp1724Glyfs*2) in the ABCA4 gene. It is expected to result in an absent or disrupted protein product. Loss-of-function variants in ABCA4 are known to be pathogenic (PMID: 10958761, 24938718, 25312043, 26780318). This variant is not present in population databases (gnomAD no frequency). This variant has not been reported in the literature in individuals affected with ABCA4-related conditions. For these reasons, this variant has been classified as Pathogenic.

Literature cited by the submitters: PubMed 10958761; PubMed 24938718; PubMed 25312043; PubMed 26780318.